The following is an entry in ClinVar:

NM_000245.4(MET):c.3287C>G (p.Thr1096Ser)

Gene: MET (MET proto-oncogene, receptor tyrosine kinase; plus strand). Cytogenetic location: 7q31.2.
Variant type: single nucleotide variant.
Coding change: c.3287C>G on transcript NM_000245.4 (MANE Select); coding-DNA position 3287, C replaced by G.
Protein change: p.Thr1096Ser; replaces threonine 1096 with serine.
Molecular consequence: missense variant.
Genome position (GRCh38, 1-based): chr7:116,777,416, C>G. VCF-style: chr7-116777416-C-G. GRCh37 (hg19) VCF-style: chr7-116417470-C-G.
Other names: c.3341C>G (NM_001127500.2); c.3341C>G, p.Thr1114Ser (NM_001127500.3); c.1997C>G, p.Thr666Ser (NM_001324402.2); short protein forms T1096S, T1114S, T666S.
Identifiers: ClinVar variation 1055914 (VCV001055914.13), dbSNP rs45592846, ClinGen allele CA164908391.
Genomic context (GRCh38, chr7:116,777,416, plus strand): 5'-CGCAGTGCTAACCAAGTTCTTTCTTTTGCACAGGGCATTTTGGTTGTGTATATCATGGGA[C>G]TTTGTTGGACAATGATGGCAAGAAAATTCACTGTGCTGTGAAATCCTTGAACAGTAAGTG-3'
Protein context (NP_000236.2, residues 1086-1106): RGHFGCVYHG[Thr1096Ser]LLDNDGKKIH

ClinVar aggregate classification (germline): Conflicting classifications of pathogenicity. Review status: criteria provided, conflicting classifications (1 of 4 stars). 3 submissions from 3 submitters: Likely pathogenic (1); Uncertain significance (1); Likely benign (1). Last evaluated 2026-09-04.

Conditions:
Ovarian cancer. Also called: OVARIAN CANCER, SOMATIC. Identifiers: Orphanet 213500, MedGen C1140680, MONDO:0008170, OMIM 167000.
Renal cell carcinoma. Identifiers: Orphanet 217071, MedGen C0007134, MeSH D002292, MONDO:0005086, HP:0005584.
Hereditary cancer-predisposing syndrome. Also called: Tumor predisposition; Hereditary Cancer Syndrome; Hereditary neoplastic syndrome; Neoplastic Syndromes, Hereditary. Identifiers: Orphanet 140162, MedGen C0027672, MeSH D009386, MONDO:0015356.

Allele frequency attached by ClinVar (database versions not stated): gnomAD exomes below 0.00001.
gnomAD v4.1: 1 of 1,613,868 alleles (0.000062%); highest among the groups gnomAD compares: East Asian, 0.0022%; no homozygotes.

Submissions (3):

Ambry Genetics
Classification: Likely benign for Hereditary cancer-predisposing syndrome. Last evaluated: 2026-09-04. Review status: criteria provided, single submitter. Criteria: Ambry Variant Classification Scheme 2023. Collection method: clinical testing. Allele origin: germline.

Labcorp Genetics (formerly Invitae), Labcorp
Classification: Uncertain significance for Renal cell carcinoma. Last evaluated: 2024-04-16. Review status: criteria provided, single submitter. Criteria: Invitae Variant Classification Sherloc (09022015). Collection method: clinical testing. Allele origin: germline.
Comment: This sequence change replaces threonine, which is neutral and polar, with serine, which is neutral and polar, at codon 1114 of the MET protein (p.Thr1114Ser). This variant is not present in population databases (gnomAD no frequency). This variant has not been reported in the literature in individuals affected with MET-related conditions. ClinVar contains an entry for this variant (Variation ID: 1055914). Advanced modeling of protein sequence and biophysical properties (such as structural, functional, and spatial information, amino acid conservation, physicochemical variation, residue mobility, and thermodynamic stability) has been performed at Invitae for this missense variant, however the output from this modeling did not meet the statistical confidence thresholds required to predict the impact of this variant on MET protein function. In summary, the available evidence is currently insufficient to determine the role of this variant in disease. Therefore, it has been classified as a Variant of Uncertain Significance.

Laboratory of Molecular Epidemiology of Birth Defects, West China Second University Hospital, Sichuan University
Classification: Likely pathogenic for Ovarian cancer. Last evaluated: 2022-01-01. Review status: criteria provided, single submitter. Criteria: ACMG Guidelines, 2015. Collection method: clinical testing. Allele origin: germline. Affected: yes.